The following is an entry in ClinVar:

ClinVar aggregate classification (germline): Uncertain significance (1 of 4 stars; one submission).

Conditions:
Inborn genetic diseases. Identifiers: MedGen C0950123, MeSH D030342.

gnomAD v4.1: 2 of 1,613,686 alleles (0.00012%); highest among the groups gnomAD compares: African/African-American, 0.0013%; no homozygotes.

Submission:

Ambry Genetics
Classification: Uncertain significance for Inborn genetic diseases. Last evaluated: 2024-05-05. Review status: criteria provided, single submitter. Criteria: Ambry Variant Classification Scheme 2023. Collection method: clinical testing. Allele origin: germline.
Comment: The p.S283P variant (also known as c.847T>C), located in coding exon 2 of the SMAD6 gene, results from a T to C substitution at nucleotide position 847. The serine at codon 283 is replaced by proline, an amino acid with similar properties. This amino acid position is conserved. In addition, this alteration is predicted to be deleterious by in silico analysis. Based on the available evidence, the clinical significance of this variant remains unclear.

NM_005585.5(SMAD6):c.847T>C (p.Ser283Pro)

Gene: SMAD6 (SMAD family member 6; plus strand). Cytogenetic location: 15q22.31.
Variant type: single nucleotide variant.
Coding change: c.847T>C on transcript NM_005585.5 (MANE Select); coding-DNA position 847, T replaced by C.
Protein change: p.Ser283Pro; replaces serine 283 with proline.
Molecular consequence: missense variant. On other transcripts: non-coding transcript variant (1).
Genome position (GRCh38, 1-based): chr15:66,711,697, T>C. VCF-style: chr15-66711697-T-C. GRCh37 (hg19) VCF-style: chr15-67004035-T-C.
Other names: short protein forms S283P.
Identifiers: ClinVar variation 3320646 (VCV003320646.1).